The following is an entry in ClinVar:

NM_001243133.2(NLRP3):c.2311C>A (p.Arg771=)

Gene: NLRP3 (NLR family pyrin domain containing 3; plus strand). Cytogenetic location: 1q44.
Variant type: single nucleotide variant.
Coding change: c.2311C>A on transcript NM_001243133.2 (MANE Select); coding-DNA position 2311, C replaced by A.
Protein change: p.Arg771=; no amino-acid change (arginine 771 retained).
Molecular consequence: synonymous variant. On other transcripts: intron variant (2).
Genome position (GRCh38, 1-based): chr1:247,429,745, C>A. VCF-style: chr1-247429745-C-A. GRCh37 (hg19) VCF-style: chr1-247593047-C-A.
Other names: c.2311C>A, p.Arg771= (NM_001079821.3, NM_001127461.3); c.2317C>A, p.Arg773= (NM_004895.5); c.2150+4146C>A (NM_001127462.3, NM_183395.3).
Identifiers: ClinVar variation 1004783 (VCV001004783.8), dbSNP rs757698137, ClinGen allele CA424418237.

ClinVar aggregate classification (germline): Uncertain significance (1 of 4 stars; one submission).

Conditions:
Cryopyrin associated periodic syndrome (CAPS). Identifiers: Orphanet 208650, MedGen C2316212, MONDO:0016168.

Submission:

Labcorp Genetics (formerly Invitae), Labcorp
Classification: Uncertain significance for Cryopyrin associated periodic syndrome. Last evaluated: 2020-09-07. Review status: criteria provided, single submitter. Criteria: Invitae Variant Classification Sherloc (09022015). Collection method: clinical testing. Allele origin: germline.
Comment: This sequence change affects codon 773 of the NLRP3 mRNA. It is a 'silent' change, meaning that it does not change the encoded amino acid sequence of the NLRP3 protein. This variant is not present in population databases (ExAC no frequency). This variant has not been reported in the literature in individuals with NLRP3-related conditions. Algorithms developed to predict the effect of sequence changes on RNA splicing suggest that this variant may create or strengthen a splice site, but this prediction has not been confirmed by published transcriptional studies. In summary, the available evidence is currently insufficient to determine the role of this variant in disease. Therefore, it has been classified as a Variant of Uncertain Significance.